The following is an entry in ClinVar:

ClinVar aggregate classification (germline): Uncertain significance (1 of 4 stars; one submission).

Conditions:
KBG syndrome (KBGS). Also called: ANKRD11-Related KBG Syndrome. Identifiers: Orphanet 2332, MedGen C0220687, MONDO:0007846, OMIM 148050.

gnomAD v4.1: 5 of 1,613,234 alleles (0.00031%); highest among the groups gnomAD compares: Middle Eastern, 0.016%; no homozygotes.

Submission:

Labcorp Genetics (formerly Invitae), Labcorp
Classification: Uncertain significance for KBG syndrome. Last evaluated: 2025-02-19. Review status: criteria provided, single submitter. Criteria: Invitae Variant Classification Sherloc (09022015). Collection method: clinical testing. Allele origin: germline.
Comment: This sequence change replaces glutamic acid, which is acidic and polar, with lysine, which is basic and polar, at codon 1989 of the ANKRD11 protein (p.Glu1989Lys). This variant is present in population databases (rs755371317, gnomAD 0.0009%). This variant has not been reported in the literature in individuals affected with ANKRD11-related conditions. Invitae Evidence Modeling of protein sequence and biophysical properties (such as structural, functional, and spatial information, amino acid conservation, physicochemical variation, residue mobility, and thermodynamic stability) indicates that this missense variant is not expected to disrupt ANKRD11 protein function with a negative predictive value of 95%. In summary, the available evidence is currently insufficient to determine the role of this variant in disease. Therefore, it has been classified as a Variant of Uncertain Significance.

NM_013275.6(ANKRD11):c.5965G>A (p.Glu1989Lys)

Gene: ANKRD11 (ankyrin repeat domain 11; minus strand). Cytogenetic location: 16q24.3.
Variant type: single nucleotide variant.
Coding change: c.5965G>A on transcript NM_013275.6 (MANE Select); coding-DNA position 5965, G replaced by A.
Protein change: p.Glu1989Lys; replaces glutamic acid 1989 with lysine.
Molecular consequence: missense variant.
Genome position (GRCh38, 1-based): chr16:89,280,577, C>T on the plus strand (G>A on the coding strand, the complement: ANKRD11 is on the minus strand). VCF-style: chr16-89280577-C-T. GRCh37 (hg19) VCF-style: chr16-89346985-C-T.
Other names: c.5965G>A, p.Glu1989Lys (NM_001256182.2, NM_001256183.2); short protein forms E1989K.
Identifiers: ClinVar variation 3728296 (VCV003728296.2).